The following is an entry in ClinVar:

ClinVar aggregate classification (germline): Pathogenic. Review status: criteria provided, multiple submitters, no conflicts (2 of 4 stars). 3 submissions from 3 submitters: Pathogenic (3). Last evaluated 2026-09-02.

Conditions:
PKD1-related disorder. Also called: PKD1-related condition.
Inborn genetic diseases. Identifiers: MedGen C0950123, MeSH D030342.

Submissions (3):

PreventionGenetics, part of Exact Sciences
Classification: Pathogenic for PKD1-related condition. Last evaluated: 2026-09-02. Review status: criteria provided, single submitter. Criteria: ACMG Guidelines, 2015. Collection method: clinical testing. Allele origin: germline.
Comment: The PKD1 c.7597_7598delTC variant is predicted to result in a frameshift and premature protein termination (p.Ser2533Glnfs*61). This variant was reported in individuals with autosomal dominant polycystic kidney disease (ADPKD) (Neumann et al. 2013. PubMed ID: 23300259; Nigro et al. 2023. PubMed ID: 37372416). This variant has not been reported in a large population database (gnomAD), indicating this variant is rare. Frameshift variants in PKD1 are expected to be pathogenic. This variant is interpreted as pathogenic.

GeneDx
Classification: Pathogenic. Last evaluated: 2023-04-13. Review status: criteria provided, single submitter. Criteria: GeneDx Variant Classification Process June 2021. Collection method: clinical testing. Allele origin: germline. Affected: yes.
Comment: Frameshift variant predicted to result in protein truncation or nonsense mediated decay in a gene for which loss of function is a known mechanism of disease; Not observed at significant frequency in large population cohorts (gnomAD); This variant is associated with the following publications: (PMID: 23300259)

Ambry Genetics
Classification: Pathogenic for Inborn genetic diseases. Last evaluated: 2021-11-03. Review status: criteria provided, single submitter. Criteria: Ambry Variant Classification Scheme 2023. Collection method: clinical testing. Allele origin: germline.
Comment: The c.7597_7598delTC (p.S2533Qfs*61) alteration, located in exon 19 (coding exon 19) of the PKD1 gene, consists of a deletion of 2 nucleotides from position 7597 to 7598, causing a translational frameshift with a predicted alternate stop codon after 61 amino acids. This alteration is expected to result in loss of function by premature protein truncation or nonsense-mediated mRNA decay. This variant was not reported in population-based cohorts in the Genome Aggregation Database (gnomAD). This mutation was identified in one individual with a diagnosis of autosomal dominant polycystic kidney disease (Neumann, 2013). Based on the available evidence, this alteration is classified as pathogenic.

Literature cited by the submitters: PubMed 23300259 (cited by Ambry Genetics).

NM_001009944.3(PKD1):c.7597_7598del (p.Ser2533fs)

Gene: PKD1 (polycystin 1, transient receptor potential channel interacting; minus strand). Cytogenetic location: 16p13.3.
Variant type: Microsatellite.
Coding change: c.7597_7598del on transcript NM_001009944.3 (MANE Select); coding-DNA positions 7597 to 7598, 2 bases deleted (TC; older notation c.7597_7598delTC).
Protein change: p.Ser2533fs; shifts the reading frame from serine 2533.
Molecular consequence: frameshift variant.
Genome position (GRCh38, 1-based): chr16:2,106,196-2,106,197, GA deleted on the plus strand (TC on the coding strand, the reverse complement: PKD1 is on the minus strand); deleting any 2 consecutive bases within chr16:2,106,196-2,106,200 gives the same sequence; the c. name uses the placement nearest the transcript's 3' end. VCF-style (leftmost placement, unchanged base first): chr16-2106195-GGA-G. GRCh37 (hg19) VCF-style: chr16-2156196-GGA-G.
Other names: c.7597_7598del, p.Ser2533fs (NM_000296.4); c.7594_7595CT[1], p.Ser2533Glnfs (NM_001009944.2); c.7597_7598del (NM_001009944.2); c.7597_7598delTC (NM_001009944.2); short protein forms S2533fs.
Identifiers: ClinVar variation 2256466 (VCV002256466.4), dbSNP rs2544777946, ClinGen allele CA2580613367.